The following is an entry in ClinVar:

NM_001267550.2(TTN):c.52801del (p.Ile17601fs)

Genes: TTN-AS1 (TTN antisense RNA 1; plus strand), TTN (titin; minus strand), LOC126806425 (BRD4-independent group 4 enhancer GRCh37_chr2:179471933-179473132; plus strand). Cytogenetic location: 2q31.2.
Variant type: Deletion.
Coding change: c.52801del on transcript NM_001267550.2 (MANE Select); coding-DNA position 52801, one base deleted (A; older notation c.52801delA).
Protein change: p.Ile17601fs; shifts the reading frame from isoleucine 17601.
Molecular consequence: frameshift variant.
Genome position (GRCh38, 1-based): chr2:178,607,986, T deleted on the plus strand (A on the coding strand, the reverse complement: TTN is on the minus strand); the first of 3 consecutive T bases (chr2:178,607,986-178,607,988); deleting any one gives the same sequence. VCF-style (leftmost placement, unchanged base first): chr2-178607985-AT-A. GRCh37 (hg19) VCF-style: chr2-179472712-AT-A.
Other names: c.47878del, p.Ile15960fs (NM_001256850.1); c.25606del, p.Ile8536fs (NM_003319.4); c.45097del, p.Ile15033fs (NM_133378.4); c.25981del, p.Ile8661fs (NM_133432.3); c.26182del, p.Ile8728fs (NM_133437.4); short protein forms I15033fs, I15960fs, I17601fs, I8536fs, I8661fs, I8728fs.
Identifiers: ClinVar variation 1066509 (VCV001066509.12), dbSNP rs2154197283, ClinGen allele CA2499215423.

ClinVar aggregate classification (germline): Likely pathogenic (1 of 4 stars; one submission).

Conditions:
Dilated cardiomyopathy 1G (CMD1G). Identifiers: Orphanet 154, MedGen C1858763, MONDO:0011400, OMIM 604145.
Autosomal recessive limb-girdle muscular dystrophy type 2J (LGMDR10). Also called: Limb-girdle muscular dystrophy, type 2J; MUSCULAR DYSTROPHY, LIMB-GIRDLE, AUTOSOMAL RECESSIVE 10. Identifiers: Orphanet 140922, MedGen C1837342, MONDO:0012127, OMIM 608807.

Submission:

Labcorp Genetics (formerly Invitae), Labcorp
Classification: Likely pathogenic for Dilated cardiomyopathy 1G; Autosomal recessive limb-girdle muscular dystrophy type 2J. Last evaluated: 2025-08-06. Review status: criteria provided, single submitter. Criteria: Invitae Variant Classification Sherloc (09022015). Collection method: clinical testing. Allele origin: germline.
Comment: This sequence change creates a premature translational stop signal (p.Ile17601Leufs*23) in the TTN gene. While this is not anticipated to result in nonsense mediated decay, it is expected to create a truncated TTN protein. This variant is not present in population databases (gnomAD no frequency). This variant has not been reported in the literature in individuals affected with TTN-related conditions. ClinVar contains an entry for this variant (Variation ID: 1066509). This variant is located in the A band of TTN (PMID: 25589632). Truncating variants in this region are significantly overrepresented in patients affected with dilated cardiomyopathy (PMID: 25589632). Truncating variants in this region have also been reported in individuals affected with autosomal recessive centronuclear myopathy (PMID: 23975875). In summary, the currently available evidence indicates that the variant is pathogenic, but additional data are needed to prove that conclusively. Therefore, this variant has been classified as Likely Pathogenic.

Literature cited by the submitters: PubMed 25589632; PubMed 23975875.